The following is an entry in ClinVar:

ClinVar aggregate classification (germline): Pathogenic/Likely pathogenic. Review status: criteria provided, multiple submitters, no conflicts (2 of 4 stars). 4 submissions from 4 submitters: Pathogenic (3); Likely pathogenic (1). Last evaluated 2024-10-04.

Conditions:
Cornelia de Lange syndrome 4 (CDLS4). Also called: RAD21-Related Cornelia de Lange Syndrome; CORNELIA DE LANGE SYNDROME 4 WITH OR WITHOUT MIDLINE BRAIN DEFECTS. Identifiers: Orphanet 199, MedGen C3553517, MONDO:0013864, OMIM 614701.

Submissions (4):

Dubai Health Genomic Medicine Center, Dubai Health
Classification: Pathogenic for Cornelia de Lange syndrome 4. Last evaluated: 2024-10-04. Review status: criteria provided, single submitter. Criteria: ACMG Guidelines, 2015. Collection method: research. Allele origin: germline. Affected: yes.
Comment: PVS1,PM6,PM2

Labcorp Genetics (formerly Invitae), Labcorp
Classification: Pathogenic for Cornelia de Lange syndrome 4. Last evaluated: 2023-09-28. Review status: criteria provided, single submitter. Criteria: Invitae Variant Classification Sherloc (09022015). Collection method: clinical testing. Allele origin: germline.
Comment: For these reasons, this variant has been classified as Pathogenic. This sequence change creates a premature translational stop signal (p.Arg478*) in the RAD21 gene. It is expected to result in an absent or disrupted protein product. Loss-of-function variants in RAD21 are known to be pathogenic (PMID: 22633399, 24378232, 27620904, 27882533). This variant is not present in population databases (gnomAD no frequency). This premature translational stop signal has been observed in individual(s) with congenital heart disease (PMID: 33084842). ClinVar contains an entry for this variant (Variation ID: 816920).

GeneDx
Classification: Likely pathogenic. Last evaluated: 2019-09-27. Review status: criteria provided, single submitter. Criteria: GeneDx Variant Classification Process June 2021. Collection method: clinical testing. Allele origin: germline. Affected: yes.
Comment: Nonsense variant predicted to result in protein truncation or nonsense mediated decay in a gene for which loss-of-function is a known mechanism of disease; Has not been previously published as pathogenic or benign to our knowledge; Reliable data are not available to assess the frequency of this variant in large population cohorts; This variant is associated with the following publications: (PMID: 33084842)

Genomic Medicine Lab, University of California San Francisco
Classification: Pathogenic for Cornelia de Lange syndrome 4. Last evaluated: 2018-12-20. Review status: criteria provided, single submitter. Criteria: ACMG Guidelines, 2015. Collection method: clinical testing. Allele origin: maternal. Inheritance: Autosomal dominant inheritance. Affected: yes. Study: CSER.

Literature cited by the submitters: PubMed 22633399 (cited by Labcorp Genetics (formerly Invitae), Labcorp); PubMed 24378232 (cited by Labcorp Genetics (formerly Invitae), Labcorp); PubMed 27620904 (cited by Labcorp Genetics (formerly Invitae), Labcorp); PubMed 27882533 (cited by Labcorp Genetics (formerly Invitae), Labcorp); PubMed 33084842 (cited by Labcorp Genetics (formerly Invitae), Labcorp).

NM_006265.3(RAD21):c.1432C>T (p.Arg478Ter)

Gene: RAD21 (RAD21 cohesin complex component; minus strand). Cytogenetic location: 8q24.11.
Variant type: single nucleotide variant.
Coding change: c.1432C>T on transcript NM_006265.3 (MANE Select); coding-DNA position 1432, C replaced by T.
Protein change: p.Arg478Ter; replaces arginine 478 with a stop codon.
Molecular consequence: nonsense.
Genome position (GRCh38, 1-based): chr8:116,851,986, G>A on the plus strand (C>T on the coding strand, the complement: RAD21 is on the minus strand). VCF-style: chr8-116851986-G-A. GRCh37 (hg19) VCF-style: chr8-117864225-G-A.
Other names: short protein forms R478*.
Identifiers: ClinVar variation 816920 (VCV000816920.8), dbSNP rs748575266, ClinGen allele CA371997227.